The following is an entry in ClinVar:

ClinVar aggregate classification (germline): Likely benign. Review status: criteria provided, multiple submitters, no conflicts (2 of 4 stars). 4 submissions from 4 submitters: Likely benign (4). Last evaluated 2026-01-26.

Conditions:
Connective tissue disorder. Also called: Connective tissue disease. Identifiers: MedGen C0009782, MONDO:0003900.

Submissions (4):

Labcorp Genetics (formerly Invitae), Labcorp
Classification: Likely benign. Last evaluated: 2026-01-26. Review status: criteria provided, single submitter. Criteria: Invitae Variant Classification Sherloc (09022015). Collection method: clinical testing. Allele origin: germline.

Blueprint Genetics
Classification: Likely benign. Last evaluated: 2024-01-10. Review status: criteria provided, single submitter. Criteria: ACMG Guidelines, 2015. Collection method: clinical testing. Allele origin: germline.

Center for Human Genetics, Inc
Classification: Likely benign for Connective tissue disorder. Last evaluated: 2018-06-01. Review status: criteria provided, single submitter. Criteria: ACMG Guidelines, 2015. Collection method: clinical testing. Allele origin: germline. Affected: yes.

GeneDx
Classification: Likely benign. Last evaluated: 2018-02-20. Review status: criteria provided, single submitter. Criteria: GeneDx Variant Classification (06012015). Collection method: clinical testing. Allele origin: germline. Affected: yes.
Comment: This variant is considered likely benign or benign based on one or more of the following criteria: it is a conservative change, it occurs at a poorly conserved position in the protein, it is predicted to be benign by multiple in silico algorithms, and/or has population frequency not consistent with disease.

NM_080680.3(COL11A2):c.1359+17del

Gene: COL11A2 (collagen type XI alpha 2 chain; minus strand). Cytogenetic location: 6p21.32.
Variant type: Deletion.
Coding change: c.1359+17del on transcript NM_080680.3 (MANE Select); 17 bases into the intron after coding-DNA position 1359, one base deleted (G; older notation c.1359+17delG).
Molecular consequence: intron variant.
Genome position (GRCh38, 1-based): chr6:33,180,241, C deleted on the plus strand (G on the coding strand, the reverse complement: COL11A2 is on the minus strand); the first of 3 consecutive C bases (chr6:33,180,241-33,180,243); deleting any one gives the same sequence. VCF-style (leftmost placement, unchanged base first): chr6-33180240-AC-A. GRCh37 (hg19) VCF-style: chr6-33148017-AC-A.
Other names: c.1359+17delG (NM_080680.2); c.1038+17del (NM_080679.3); c.1101+17del (NM_080681.3).
Identifiers: ClinVar variation 515679 (VCV000515679.11), dbSNP rs765250820, ClinGen allele CA3751377.